The following is an entry in ClinVar:

ClinVar aggregate classification (germline): Pathogenic/Likely pathogenic. Review status: criteria provided, multiple submitters, no conflicts (2 of 4 stars). 3 submissions from 3 submitters: Pathogenic (1); Likely pathogenic (2). Last evaluated 2026-04-14.

Conditions:
Familial intrahepatic cholestasis. Identifiers: Orphanet 284385, MedGen CN296401, MONDO:0017290.
Progressive familial intrahepatic cholestasis type 2. Identifiers: Orphanet 79304, MedGen C3489789, MONDO:0011156, OMIM 601847.
Progressive familial intrahepatic cholestasis type 1. Also called: BYLER DISEASE; Byler's disease; Severe ATP8B1 Deficiency (Progressive Familial Intrahepatic Cholestasis Type 1 [PFIC1]). Identifiers: Orphanet 79306, MedGen C4551898, MONDO:0008892, OMIM 211600.

Submissions (3):

Genomenon, Inc
Classification: Likely pathogenic for Familial intrahepatic cholestasis. Last evaluated: 2026-04-14. Review status: criteria provided, single submitter. Criteria: Genomenon Sequence Variant Interpretation Standards - Updated. Collection method: curation. Allele origin: germline. Affected: yes.
Comment: ABCB11 p.Cys129Tyr (c.386G>A) is a missense variant that changes the amino acid at residue 129 from Cysteine to Tyrosine. This variant has been observed in at least one proband with an ABCB11-related disorder (PMID:38341604;31745229;29507376;26858187). At least one functional study has demonstrated a substantial alteration in protein function relative to the wild-type (PMID:31745229;29507376). It is absent or not present at a significant frequency in gnomAD. In conclusion, we classify ABCB11 p.Cys129Tyr (c.386G>A) as a likely pathogenic variant.

Women's Health and Genetics/Laboratory Corporation of America, LabCorp
Classification: Pathogenic for Progressive familial intrahepatic cholestasis type 1. Last evaluated: 2026-01-02. Review status: criteria provided, single submitter. Criteria: LabCorp Variant Classification Summary - May 2015. Collection method: clinical testing. Allele origin: germline.
Comment: Variant summary: ABCB11 c.386G>A (p.Cys129Tyr) results in a non-conservative amino acid change in the encoded protein sequence. Algorithms developed to predict the effect of missense changes on protein structure and function are either unavailable or do not agree on the potential impact of this missense change. The variant was absent in 245790 control chromosomes (gnomAD). c.386G>A has been observed in multiple individuals affected with Progressive familial intrahepatic cholestasis type 1 (e.g. Togawa_2016, Imagawa_2018, Kondou_2024). These data indicate that the variant is very likely to be associated with disease. At least one publication reports experimental evidence evaluating an impact on protein function, finding that the variant results in a loss of cell surface expression and reduced bile acids transported (Imegawa_2018). The following publications have been ascertained in the context of this evaluation (PMID: 26858187, 29507376, 38341604). ClinVar contains an entry for this variant (Variation ID: 3776883). Based on the evidence outlined above, the variant was classified as pathogenic.

Broad Center for Mendelian Genomics, Broad Institute of MIT and Harvard
Classification: Likely pathogenic for Progressive familial intrahepatic cholestasis type 2. Last evaluated: 2025-02-04. Review status: criteria provided, single submitter. Criteria: ACMG Guidelines, 2015. Collection method: curation. Allele origin: germline. Inheritance: Autosomal recessive inheritance.
Comment: The p.Cys129Tyr variant in ABCB11 has been reported in four individuals with BSEP deficiency (PMID: 26858187, 29507376, 38341604), and has been identified in 0.007% (3/44770) of East Asian chromosomes by the Genome Aggregation Database (gnomAD; dbSNP rs1695246652). Although this variant has been seen in the general population in a heterozygous state, its frequency is low enough to be consistent with a recessive carrier frequency. Of the four affected individuals, two were homozygotes and one was a compound heterozygote that carried a reported pathogenic/likely pathogenic variant with in trans, which increases the likelihood that the p.Cys129Tyr variant is pathogenic (Variation ID: 290081; PMID: 26858187, 29507376, 38341604). In vitro functional studies provide some evidence that the p.Cys129Tyr variant may slightly impact protein function (PMID: 29507376). However, these types of assays may not accurately represent biological function. Computational prediction tools and conservation analyses do not provide strong support for or against an impact to the protein. In summary, although additional studies are required to fully establish its clinical significance, this variant is likely pathogenic for autosomal recessive BSEP deficiency. ACMG/AMP Criteria applied: PM3_strong, PS3_supporting, PM2_supporting, (Richards 2015).

Literature cited by the submitters: PubMed 38341604 (cited by Genomenon, Inc and Women's Health and Genetics/Laboratory Corporation of America, LabCorp); PubMed 31745229 (cited by Genomenon, Inc); PubMed 29507376 (cited by Genomenon, Inc and Women's Health and Genetics/Laboratory Corporation of America, LabCorp); PubMed 26858187 (cited by Genomenon, Inc and Women's Health and Genetics/Laboratory Corporation of America, LabCorp).

NM_003742.4(ABCB11):c.386G>A (p.Cys129Tyr)

Gene: ABCB11 (ATP binding cassette subfamily B member 11; minus strand). Cytogenetic location: 2q31.1.
Variant type: single nucleotide variant.
Coding change: c.386G>A on transcript NM_003742.4 (MANE Select); coding-DNA position 386, G replaced by A.
Protein change: p.Cys129Tyr; replaces cysteine 129 with tyrosine.
Molecular consequence: missense variant.
Genome position (GRCh38, 1-based): chr2:169,013,275, C>T on the plus strand (G>A on the coding strand, the complement: ABCB11 is on the minus strand). VCF-style: chr2-169013275-C-T. GRCh37 (hg19) VCF-style: chr2-169869785-C-T.
Other names: NM_003742.4:c.386G>A; short protein forms C129Y.
Identifiers: ClinVar variation 3776883 (VCV003776883.3).